The following is an entry in ClinVar:

ClinVar aggregate classification (germline): Pathogenic/Likely pathogenic. Review status: criteria provided, multiple submitters, no conflicts (2 of 4 stars). 5 submissions from 4 submitters: Pathogenic (2); Likely pathogenic (3). Last evaluated 2026-01-27.

Conditions:
Amyotrophic lateral sclerosis type 5 (ALS5). Also called: AMYOTROPHIC LATERAL SCLEROSIS 5, JUVENILE. Identifiers: Orphanet 300605, MedGen C1865864, MONDO:0011196, OMIM 602099.
Hereditary spastic paraplegia 11. Also called: SPASTIC PARAPLEGIA, AUTOSOMAL RECESSIVE, COMPLICATED, WITH THIN CORPUS CALLOSUM; SPASTIC PARAPLEGIA, AUTOSOMAL RECESSIVE, WITH MENTAL IMPAIRMENT AND THIN CORPUS CALLOSUM; Spastic Paraplegia 11; Spastic paraplegia, mental retardation and thin corpus callosum; Nakamura Osame syndrome; Autosomal recessive hereditary spastic paraplegia, mental impairment, and thin corpus callosum. Identifiers: Orphanet 2822, MedGen C1858479, MONDO:0011445, OMIM 604360.

gnomAD v4.1: 3 of 1,612,100 alleles (0.00019%); highest among the groups gnomAD compares: Non-Finnish European, 0.00025%; no homozygotes.

Submissions (5):

Labcorp Genetics (formerly Invitae), Labcorp
Classification: Pathogenic for Hereditary spastic paraplegia 11. Last evaluated: 2026-01-27. Review status: criteria provided, single submitter. Criteria: Invitae Variant Classification Sherloc (09022015). Collection method: clinical testing. Allele origin: germline.
Comment: This sequence change creates a premature translational stop signal (p.Tyr2385*) in the SPG11 gene. While this is not anticipated to result in nonsense mediated decay, it is expected to disrupt the last 59 amino acid(s) of the SPG11 protein. This variant is not present in population databases (gnomAD no frequency). This premature translational stop signal has been observed in individual(s) with clinical features of SPG11-related conditions (PMID: 27066562). ClinVar contains an entry for this variant (Variation ID: 378638). Algorithms developed to predict the effect of sequence changes on RNA splicing suggest that this variant may create or strengthen a splice site. This variant disrupts a region of the SPG11 protein in which other variant(s) (p.His2388Thrfs*6) have been determined to be pathogenic (internal data). This suggests that this is a clinically significant region of the protein, and that variants that disrupt it are likely to be disease-causing. For these reasons, this variant has been classified as Pathogenic.

GeneDx
Classification: Likely pathogenic. Last evaluated: 2025-03-19. Review status: criteria provided, single submitter. Criteria: GeneDx Variant Classification Process June 2021. Collection method: clinical testing. Allele origin: germline. Affected: yes.
Comment: Nonsense variant predicted to result in protein truncation as the last 59 amino acids are lost; Not observed at significant frequency in large population cohorts (gnomAD); This variant is associated with the following publications: (PMID: 34426522, 32579787, 27066562)

Suna and Inan Kirac Foundation Neurodegeneration Research Laboratory, Koc University
Classification: Pathogenic for Amyotrophic lateral sclerosis type 5. Last evaluated: 2020-03-31. Review status: criteria provided, single submitter. Criteria: ACMG Guidelines, 2015. Collection method: research. Allele origin: germline. Affected: yes. Observed: 1 variant allele.

Genome-Nilou Lab
Classification: Likely pathogenic for Amyotrophic lateral sclerosis type 5. Review status: criteria provided, single submitter. Criteria: ACMG Guidelines, 2015. Collection method: clinical testing. Allele origin: germline.

Genome-Nilou Lab
Classification: Likely pathogenic for Hereditary spastic paraplegia 11. Review status: criteria provided, single submitter. Criteria: ACMG Guidelines, 2015. Collection method: clinical testing. Allele origin: germline.

Literature cited by the submitters: PubMed 27066562 (cited by Labcorp Genetics (formerly Invitae), Labcorp).

NM_025137.4(SPG11):c.7155T>G (p.Tyr2385Ter)

Gene: SPG11 (SPG11 vesicle trafficking associated, spatacsin; minus strand). Cytogenetic location: 15q21.1.
Variant type: single nucleotide variant.
Coding change: c.7155T>G on transcript NM_025137.4 (MANE Select); coding-DNA position 7155, T replaced by G.
Protein change: p.Tyr2385Ter; replaces tyrosine 2385 with a stop codon.
Molecular consequence: nonsense.
Genome position (GRCh38, 1-based): chr15:44,563,298, A>C on the plus strand (T>G on the coding strand, the complement: SPG11 is on the minus strand). VCF-style: chr15-44563298-A-C. GRCh37 (hg19) VCF-style: chr15-44855496-A-C.
Other names: c.6816T>G, p.Tyr2272Ter (NM_001160227.2); short protein forms Y2385*, Y2272*.
Identifiers: ClinVar variation 378638 (VCV000378638.14), dbSNP rs778305085, ClinGen allele CA16607073.
Genomic context (GRCh38, chr15:44,563,298, plus strand): 5'-ACAATATGTGAGTAATTTCTTCAGGTTTTCCATGACCATGTCAGTAGGCTGATGTTGTTT[A>C]TATCTAGATAAAGAAACATAATGTACAGGTTAAGATACTGTTTTTTGTTTTGTTTTGTTT-3'